The following is an entry in ClinVar:

NM_019098.5(CNGB3):c.2419G>T (p.Ala807Ser)

Gene: CNGB3 (cyclic nucleotide gated channel subunit beta 3; minus strand). Cytogenetic location: 8q21.3.
Variant type: single nucleotide variant.
Coding change: c.2419G>T on transcript NM_019098.5 (MANE Select); coding-DNA position 2419, G replaced by T.
Protein change: p.Ala807Ser; replaces alanine 807 with serine.
Molecular consequence: missense variant.
Genome position (GRCh38, 1-based): chr8:86,575,815, C>A on the plus strand (G>T on the coding strand, the complement: CNGB3 is on the minus strand). VCF-style: chr8-86575815-C-A. GRCh37 (hg19) VCF-style: chr8-87588043-C-A.
Other names: short protein forms A807S.
Identifiers: ClinVar variation 958631 (VCV000958631.11), dbSNP rs375288585, ClinGen allele CA371445979.
Genomic context (GRCh38, chr8:86,575,815, plus strand): 5'-ACAATCACTTTGGGAACTAGCTATATCACATCTAAAGATAATCAAACATTTATTGCTTAG[C>A]CTTTTCTTTGACTTCAATAGTAAGAACCTCTTCTCCGCCCTCAGCAGAAGGAGCCATGCT-3'
Protein context (NP_061971.3, residues 797-809): EVLTIEVKEK[Ala807Ser]KQ

ClinVar aggregate classification (germline): Uncertain significance. Review status: criteria provided, single submitter (1 of 4 stars). 2 submissions from 2 submitters: Uncertain significance (1). 1 of the submissions does not count toward it. Last evaluated 2019-07-24.

Conditions:
Achromatopsia. Also called: Rod monochromatism. Identifiers: Orphanet 49382, MedGen C0152200, MONDO:0018852, HP:0011516.

gnomAD v4.1: 1 of 1,613,668 alleles (0.000062%); no homozygotes.

Submissions (2):

Labcorp Genetics (formerly Invitae), Labcorp
Classification: Uncertain significance. Last evaluated: 2019-07-24. Review status: criteria provided, single submitter. Criteria: Invitae Variant Classification Sherloc (09022015). Collection method: clinical testing. Allele origin: germline.
Comment: In summary, the available evidence is currently insufficient to determine the role of this variant in disease. Therefore, it has been classified as a Variant of Uncertain Significance. This sequence change replaces alanine with serine at codon 807 of the CNGB3 protein (p.Ala807Ser). The alanine residue is moderately conserved and there is a moderate physicochemical difference between alanine and serine. This variant is not present in population databases (ExAC no frequency). This variant has not been reported in the literature in individuals with CNGB3-related conditions. Algorithms developed to predict the effect of missense changes on protein structure and function output the following: SIFT: "Tolerated"; PolyPhen-2: "Benign"; Align-GVGD: "Class C0". The serine amino acid residue is found in multiple mammalian species, suggesting that this missense change does not adversely affect protein function. These predictions have not been confirmed by published functional studies and their clinical significance is uncertain.

Natera, Inc.
Classification: Uncertain significance for Achromatopsia. Last evaluated: 2020-03-13. Review status: no assertion criteria provided. Collection method: clinical testing. Allele origin: germline. Not counted in ClinVar's aggregate classification.